The following is an entry in ClinVar:

ClinVar aggregate classification (germline): Benign (1 of 4 stars; one submission).

Allele frequency attached by ClinVar (database versions not stated): 1000 Genomes Project 0.65615; 1000 Genomes Project 30x 0.65428; TOPMed 0.65016.
gnomAD v4.1: 97,824 of 149,892 alleles (65%); highest among the groups gnomAD compares: Middle Eastern, 74%; 31,592 homozygotes.

Submission:

GeneDx
Classification: Benign. Last evaluated: 2018-06-14. Review status: criteria provided, single submitter. Criteria: GeneDx Variant Classification (06012015). Collection method: clinical testing. Allele origin: germline. Affected: yes.
Comment: This variant is considered likely benign or benign based on one or more of the following criteria: it is a conservative change, it occurs at a poorly conserved position in the protein, it is predicted to be benign by multiple in silico algorithms, and/or has population frequency not consistent with disease.

NM_002474.3(MYH11):c.5787-4966C>A

Genes: MYH11 (myosin heavy chain 11; minus strand), NDE1 (nudE neurodevelopment protein 1; plus strand). Cytogenetic location: 16p13.11.
Variant type: single nucleotide variant.
Coding change: c.5787-4966C>A on transcript NM_002474.3 (MANE Select); 4966 bases into the intron before coding-DNA position 5787, C replaced by A.
Molecular consequence: intron variant.
Genome position (GRCh38, 1-based): chr16:15,709,089, G>T on the plus strand (C>A on the coding strand, the complement: MYH11 is on the minus strand). VCF-style: chr16-15709089-G-T. GRCh37 (hg19) VCF-style: chr16-15802946-G-T.
Other names: c.947+12229G>T (NM_001143979.2, NM_017668.3); c.5787-248C>A (NM_022844.3); c.5808-4966C>A (NM_001040114.2); c.5808-248C>A (NM_001040113.2).
Identifiers: ClinVar variation 670999 (VCV000670999.1), dbSNP rs9746950, ClinGen allele CA14214131.